The following is an entry in ClinVar:

NM_000512.5(GALNS):c.1114del (p.Leu372fs)

Gene: GALNS (galactosamine (N-acetyl)-6-sulfatase; minus strand). Cytogenetic location: 16q24.3.
Variant type: Deletion.
Coding change: c.1114del on transcript NM_000512.5 (MANE Select); coding-DNA position 1114, one base deleted (C; older notation c.1114delC).
Protein change: p.Leu372fs; shifts the reading frame from leucine 372.
Molecular consequence: frameshift variant.
Genome position (GRCh38, 1-based): chr16:88,826,727, G deleted on the plus strand (C on the coding strand, the reverse complement: GALNS is on the minus strand); the first of 3 consecutive G bases (chr16:88,826,727-88,826,729); deleting any one gives the same sequence. VCF-style (leftmost placement, unchanged base first): chr16-88826726-AG-A. GRCh37 (hg19) VCF-style: chr16-88893134-AG-A.
Other names: c.559del, p.Leu187fs (NM_001323543.2); c.1132del, p.Leu378fs (NM_001323544.2); short protein forms L187fs, L372fs, L378fs.
Identifiers: ClinVar variation 1048495 (VCV001048495.3), dbSNP rs2142995760, ClinGen allele CA916079741.

ClinVar aggregate classification (germline): Pathogenic (1 of 4 stars; one submission).

Conditions:
Mucopolysaccharidosis, MPS-IV-A (MPS4A). Also called: Mucopolysaccharidosis type IV A; Mucopolysaccharidosis Type IVA; Morquio syndrome A, mild; MORQUIO SYNDROME A; MPS IVA; mucopolysaccharidosis type 4A. Identifiers: Orphanet 309297, Orphanet 582, MedGen C0086651, MONDO:0009659, OMIM 253000.

Submission:

Laboratory of Diagnosis and Therapy of Lysosomal Disorders, University of Padova
Classification: Pathogenic for Mucopolysaccharidosis, MPS-IV-A. Last evaluated: 2021-02-01. Review status: criteria provided, single submitter. Criteria: ACMG Guidelines, 2015. Collection method: curation. Allele origin: germline. Affected: yes.
Comment: Frameshift variant (PVS1_very strong); in vivo functional studies supportive of a damaging effect on the gene product (low to null enzymatic activity in homozygotes; PS3_supporting); absent from gnomAD v2.1.1 (PM2_moderate)

Literature cited by the submitters: PubMed 24726177; PubMed 34387910.